The following is an entry in ClinVar:

ClinVar aggregate classification (germline): Uncertain significance (1 of 4 stars; one submission).

Submission:

GeneDx
Classification: Uncertain significance. Last evaluated: 2019-12-19. Review status: criteria provided, single submitter. Criteria: GeneDx Variant Classification Process June 2021. Collection method: clinical testing. Allele origin: germline. Affected: yes.
Comment: Not observed in large population cohorts (Lek et al., 2016); In silico analysis, which includes protein predictors and evolutionary conservation, supports a deleterious effect; Has not been previously published as pathogenic or benign to our knowledge

NM_181458.4(PAX3):c.658C>A (p.Arg220Ser)

Gene: PAX3 (paired box 3; minus strand). Cytogenetic location: 2q36.1.
Variant type: single nucleotide variant.
Coding change: c.658C>A on transcript NM_181458.4 (MANE Select); coding-DNA position 658, C replaced by A.
Protein change: p.Arg220Ser; replaces arginine 220 with serine.
Molecular consequence: missense variant.
Genome position (GRCh38, 1-based): chr2:222,232,212, G>T on the plus strand (C>A on the coding strand, the complement: PAX3 is on the minus strand). VCF-style: chr2-222232212-G-T. GRCh37 (hg19) VCF-style: chr2-223096931-G-T.
Other names: c.655C>A, p.Arg219Ser (NM_001127366.3); c.658C>A, p.Arg220Ser (NM_181457.4, NM_181459.4, NM_181460.4 and 1 more transcripts); short protein forms R219S, R220S.
Identifiers: ClinVar variation 1311395 (VCV001311395.2), dbSNP rs917104474, ClinGen allele CA351112653.